The following is an entry in ClinVar:

NC_000011.9:g.(?_63742153)_(63743792_?)del

Gene: COX8A (cytochrome c oxidase subunit 8A; plus strand). Cytogenetic location: 11q13.1.
Variant type: Deletion.
Identifiers: ClinVar variation 2425016 (VCV002425016.4).

ClinVar aggregate classification (germline): Uncertain significance (1 of 4 stars; one submission).

Submission:

Labcorp Genetics (formerly Invitae), Labcorp
Classification: Uncertain significance. Last evaluated: 2022-10-25. Review status: criteria provided, single submitter. Criteria: Invitae Variant Classification Sherloc (09022015). Collection method: clinical testing. Allele origin: germline.
Comment: In summary, the available evidence is currently insufficient to determine the role of this variant in disease. Therefore, it has been classified as a Variant of Uncertain Significance. This variant has not been reported in the literature in individuals affected with COX8A-related conditions. A gross deletion of the genomic region encompassing the full coding sequence of the COX8A gene has been identified. The current clinical and genetic evidence is not sufficient to establish whether loss-of-function variants in COX8A cause disease. The boundaries of this event are unknown as they extend beyond the assayed region for this gene and therefore may encompass additional genes.